The following is an entry in ClinVar:

NM_002495.4(NDUFS4):c.355G>C (p.Asp119His)

Gene: NDUFS4 (NADH:ubiquinone oxidoreductase subunit S4; plus strand). Cytogenetic location: 5q11.2.
Variant type: single nucleotide variant.
Coding change: c.355G>C on transcript NM_002495.4 (MANE Select); coding-DNA position 355, G replaced by C.
Protein change: p.Asp119His; replaces aspartic acid 119 with histidine.
Molecular consequence: missense variant. On other transcripts: non-coding transcript variant (3), intron variant (1).
Genome position (GRCh38, 1-based): chr5:53,658,555, G>C. VCF-style: chr5-53658555-G-C. GRCh37 (hg19) VCF-style: chr5-52954385-G-C.
Other names: c.350+12150G>C (NM_001318051.2); short protein forms D119H.
Identifiers: ClinVar variation 587577 (VCV000587577.12), dbSNP rs747359752, ClinGen allele CA3264293.

ClinVar aggregate classification (germline): Pathogenic/Likely pathogenic. Review status: criteria provided, multiple submitters, no conflicts (2 of 4 stars). 5 submissions from 4 submitters: Pathogenic (1); Likely pathogenic (4). Last evaluated 2025-11-16.

Conditions:
Mitochondrial complex I deficiency. Also called: NADH:Q(1) OXIDOREDUCTASE DEFICIENCY. Identifiers: Orphanet 2609, MedGen C1838979, MeSH C537475, MONDO:0100133.
Mitochondrial complex I deficiency, nuclear type 1. Also called: NADH-COENZYME Q REDUCTASE DEFICIENCY; MITOCHONDRIAL NADH DEHYDROGENASE COMPONENT OF COMPLEX I, DEFICIENCY OF. Identifiers: MedGen C6022305, MONDO:0100224, OMIM 252010.
Leigh syndrome (NULS). Also called: LEIGH SYNDROME, NUCLEAR; Leigh's syndrome; Leigh's necrotizing encephalopathy; Leigh's disease; Leigh Syndrome (mtDNA deletion); Leigh Disease. Identifiers: Orphanet 506, MedGen C2931891, MONDO:0009723, OMIM 256000.

Allele frequency attached by ClinVar (database versions not stated): ExAC 0.00001; gnomAD exomes 0.00001.
gnomAD v4.1: 3 of 1,613,044 alleles (0.00019%); highest among the groups gnomAD compares: South Asian, 0.0011%; no homozygotes.

Submissions (5):

Labcorp Genetics (formerly Invitae), Labcorp
Classification: Likely pathogenic. Last evaluated: 2025-11-16. Review status: criteria provided, single submitter. Criteria: Invitae Variant Classification Sherloc (09022015). Collection method: clinical testing. Allele origin: germline.
Comment: This sequence change replaces aspartic acid, which is acidic and polar, with histidine, which is basic and polar, at codon 119 of the NDUFS4 protein (p.Asp119His). This variant is present in population databases (rs747359752, gnomAD 0.01%). This missense change has been observed in individual(s) with Leigh syndrome (PMID: 19364667, 31386302). In at least one individual the data is consistent with being in trans (on the opposite chromosome) from a pathogenic variant. ClinVar contains an entry for this variant (Variation ID: 587577). An algorithm developed to predict the effect of missense changes on protein structure and function (PolyPhen-2) suggests that this variant is likely to be disruptive. Experimental studies have shown that this missense change affects NDUFS4 function (PMID: 22326555). In summary, the currently available evidence indicates that the variant is pathogenic, but additional data are needed to prove that conclusively. Therefore, this variant has been classified as Likely Pathogenic.

Genomic Research Center, Shahid Beheshti University of Medical Sciences
Classification: Likely pathogenic for Mitochondrial complex I deficiency. Last evaluated: 2024-09-01. Review status: criteria provided, single submitter. Criteria: ACMG Guidelines, 2015. Collection method: clinical testing. Allele origin: inherited. Affected: yes. Observed: 1 variant allele.

Genomic Research Center, Shahid Beheshti University of Medical Sciences
Classification: Likely pathogenic for Leigh syndrome. Last evaluated: 2024-09-01. Review status: criteria provided, single submitter. Criteria: ACMG Guidelines, 2015. Collection method: clinical testing. Allele origin: inherited. Affected: yes. Observed: 1 variant allele.

Baylor Genetics
Classification: Likely pathogenic for Mitochondrial complex I deficiency, nuclear type 1. Last evaluated: 2023-10-30. Review status: criteria provided, single submitter. Criteria: ACMG Guidelines, 2015. Collection method: clinical testing. Allele origin: unknown.

Genomics, Clalit Research Institute, Clalit Health Care
Classification: Pathogenic for Mitochondrial complex I deficiency, nuclear type 1. Review status: criteria provided, single submitter. Criteria: ACMG Guidelines, 2015. Collection method: clinical testing. Allele origin: germline. Inheritance: Autosomal recessive inheritance. Affected: yes. Observed: 1 homozygote.
Comment: Inheritance: The variant was identified in the Homozygous state in the sample. Frequency: The variant is rare, observed in 2 alleles out of 251,172 (0.001%) in the gnomAD reference population dataset. (PM2_support) Allelic data: This variant was previously reported in trans with a pathogenic variant or in a homozygous state (PMID: 31386302‚ 31292494, Clalit). (PM3_strong) Prediction tools: REVEL predicts a deleterious effect on the gene or gene product (score 0.88). (PP3_moderate) Phenotype: The patient's phenotype or family history is highly specific for a disease with a single genetic etiology. (PP4) Clinical evidence: This variant has previously been described in ClinVar (VCV587577) with the following classifications: LP (5). Sources: This variant has been previously described in several publications (see PMID: 19364667, 31386302, and 31292494). Notably, these studies separately described two patients with the clinical diagnosis of Leigh syndrome who were carriers of this variant either in the heterozygous or homozygous state. Sage-Schwaede, et al., moreover discussed a potential pharmacological intervention. Taken together, we interpret this variant as pathogenic (pm2_support, pm3_strong, pp3_moderate, pp4).

Literature cited by the submitters: PubMed 19364667 (cited by Labcorp Genetics (formerly Invitae), Labcorp); PubMed 31386302 (cited by Labcorp Genetics (formerly Invitae), Labcorp); PubMed 22326555 (cited by Labcorp Genetics (formerly Invitae), Labcorp).